The following is an entry in ClinVar:

ClinVar aggregate classification (germline): Uncertain significance. Review status: criteria provided, multiple submitters, no conflicts (2 of 4 stars). 2 submissions from 2 submitters: Uncertain significance (2). Last evaluated 2024-11-19.

Conditions:
Inborn genetic diseases. Identifiers: MedGen C0950123, MeSH D030342.

Allele frequency attached by ClinVar (database versions not stated): TOPMed below 0.00001; gnomAD 0.00001; gnomAD exomes 0.00001; ExAC 0.00002.
gnomAD v4.1: 11 of 1,613,874 alleles (0.00068%); highest among the groups gnomAD compares: Middle Eastern, 0.016%; no homozygotes.

Submissions (2):

Ambry Genetics
Classification: Uncertain significance for Inborn genetic diseases. Last evaluated: 2024-11-19. Review status: criteria provided, single submitter. Criteria: Ambry Variant Classification Scheme 2023. Collection method: clinical testing. Allele origin: germline.

Labcorp Genetics (formerly Invitae), Labcorp
Classification: Uncertain significance. Last evaluated: 2022-08-16. Review status: criteria provided, single submitter. Criteria: Invitae Variant Classification Sherloc (09022015). Collection method: clinical testing. Allele origin: germline.
Comment: This sequence change replaces proline, which is neutral and non-polar, with leucine, which is neutral and non-polar, at codon 676 of the WHSC1 protein (p.Pro676Leu). This variant is present in population databases (rs773890550, gnomAD 0.006%). This variant has not been reported in the literature in individuals affected with WHSC1-related conditions. ClinVar contains an entry for this variant (Variation ID: 1680186). Algorithms developed to predict the effect of missense changes on protein structure and function (SIFT, PolyPhen-2, Align-GVGD) all suggest that this variant is likely to be tolerated. In summary, the available evidence is currently insufficient to determine the role of this variant in disease. Therefore, it has been classified as a Variant of Uncertain Significance.

NM_001042424.3(NSD2):c.2027C>T (p.Pro676Leu)

Gene: NSD2 (nuclear receptor binding SET domain protein 2; plus strand). Cytogenetic location: 4p16.3.
Variant type: single nucleotide variant.
Coding change: c.2027C>T on transcript NM_001042424.3 (MANE Select); coding-DNA position 2027, C replaced by T.
Protein change: p.Pro676Leu; replaces proline 676 with leucine.
Molecular consequence: missense variant.
Genome position (GRCh38, 1-based): chr4:1,952,121, C>T. VCF-style: chr4-1952121-C-T. GRCh37 (hg19) VCF-style: chr4-1953848-C-T.
Other names: c.2027C>T (NM_133330.2); c.2027C>T, p.Pro676Leu (NM_133330.3, NM_133331.3, NM_133335.4); short protein forms P676L.
Identifiers: ClinVar variation 1680186 (VCV001680186.9), dbSNP rs773890550, ClinGen allele CA2812350.